The following is an entry in ClinVar:

ClinVar aggregate classification (germline): Uncertain significance. Review status: criteria provided, multiple submitters, no conflicts (2 of 4 stars). 2 submissions from 2 submitters: Uncertain significance (2). Last evaluated 2025-07-15.

Conditions:
PLXNA2-related disorder. Also called: PLXNA2-related condition.

gnomAD v4.1: 1 of 1,613,800 alleles (0.000062%); highest among the groups gnomAD compares: East Asian, 0.0022%; no homozygotes.

Submissions (2):

Ambry Genetics
Classification: Uncertain significance. Last evaluated: 2025-07-15. Review status: criteria provided, single submitter. Criteria: Ambry Variant Classification Scheme 2023. Collection method: clinical testing. Allele origin: germline.

PreventionGenetics, part of Exact Sciences
Classification: Uncertain significance for PLXNA2-related condition. Last evaluated: 2025-03-19. Review status: criteria provided, single submitter. Criteria: ACMG Guidelines, 2015. Collection method: clinical testing. Allele origin: germline.
Comment: The PLXNA2 c.3172C>G variant is predicted to result in the amino acid substitution p.Pro1058Ala. To our knowledge, this variant has not been reported in the literature. This variant is reported in 0.0054% of alleles in individuals of East Asian descent in gnomAD. At this time, the clinical significance of this variant is uncertain due to the absence of conclusive functional and genetic evidence.

NM_025179.4(PLXNA2):c.3172C>G (p.Pro1058Ala)

Gene: PLXNA2 (plexin A2; minus strand). Cytogenetic location: 1q32.2.
Variant type: single nucleotide variant.
Coding change: c.3172C>G on transcript NM_025179.4 (MANE Select); coding-DNA position 3172, C replaced by G.
Protein change: p.Pro1058Ala; replaces proline 1058 with alanine.
Molecular consequence: missense variant.
Genome position (GRCh38, 1-based): chr1:208,051,092, G>C on the plus strand (C>G on the coding strand, the complement: PLXNA2 is on the minus strand). VCF-style: chr1-208051092-G-C. GRCh37 (hg19) VCF-style: chr1-208224437-G-C.
Other names: short protein forms P1058A.
Identifiers: ClinVar variation 4140113 (VCV004140113.2).